The following is an entry in ClinVar:

NM_005866.4(SIGMAR1):c.283dup (p.Leu95fs)

Gene: SIGMAR1 (sigma receptor chaperone 1; minus strand). Cytogenetic location: 9p13.3.
Variant type: Duplication.
Coding change: c.283dup on transcript NM_005866.4 (MANE Select); coding-DNA position 283, one base duplicated (C; older notation c.283dupC).
Protein change: p.Leu95fs; shifts the reading frame from leucine 95.
Molecular consequence: frameshift variant.
Genome position (GRCh38, 1-based): chr9:34,637,289, G duplicated on the plus strand (C on the coding strand, the reverse complement: SIGMAR1 is on the minus strand); the first of 2 consecutive G bases (chr9:34,637,289-34,637,290); duplicating either gives the same sequence. VCF-style (leftmost placement, unchanged base first): chr9-34637288-A-AG. GRCh37 (hg19) VCF-style: chr9-34637285-A-AG.
Other names: c.283dup (NM_005866.3); c.283dup, p.Leu95fs (NM_001282205.2, NM_001282208.2, NM_001282209.2 and 1 more transcripts); c.30dup, p.Phe11fs (NM_001282206.2); c.223dup, p.Leu75fs (NM_001282207.2); c.283dupC (NM_005866.3); short protein forms F11fs, L75fs, L95fs.
Identifiers: ClinVar variation 209190 (VCV000209190.10), dbSNP rs780136067, ClinGen allele CA276166.

ClinVar aggregate classification (germline): Pathogenic. Review status: criteria provided, multiple submitters, no conflicts (2 of 4 stars). 3 submissions from 3 submitters: Pathogenic (3). Last evaluated 2024-08-07.

Conditions:
Amyotrophic lateral sclerosis type 16. Also called: AMYOTROPHIC LATERAL SCLEROSIS 16, JUVENILE. Identifiers: Orphanet 300605, MedGen C3280587, MONDO:0013715, OMIM 614373.
Autosomal recessive distal spinal muscular atrophy 2. Also called: NEURONOPATHY, DISTAL HEREDITARY MOTOR, JERASH TYPE; NEUROPATHY, DISTAL HEREDITARY MOTOR, JERASH TYPE; SPINAL MUSCULAR ATROPHY, JERASH TYPE; Hereditary motor neuropathy, Jerash type; Motor neuropathy, distal, Jerash type; NEUROPATHY, DISTAL HEREDITARY MOTOR, AUTOSOMAL RECESSIVE 2. Identifiers: Orphanet 139552, MedGen C1854023, MONDO:0011585, OMIM 605726.

Submissions (3):

Labcorp Genetics (formerly Invitae), Labcorp
Classification: Pathogenic for Autosomal recessive distal spinal muscular atrophy 2; Amyotrophic lateral sclerosis type 16. Last evaluated: 2024-08-07. Review status: criteria provided, single submitter. Criteria: Invitae Variant Classification Sherloc (09022015). Collection method: clinical testing. Allele origin: germline.
Comment: This sequence change creates a premature translational stop signal (p.Leu95Profs*29) in the SIGMAR1 gene. It is expected to result in an absent or disrupted protein product. Loss-of-function variants in SIGMAR1 are known to be pathogenic (PMID: 26078401, 27402882, 28708278, 29115704). This variant is present in population databases (rs780136067, gnomAD 0.01%). This premature translational stop signal has been observed in individual(s) with juvenile amyotrophic lateral sclerosis (PMID: 27821430). ClinVar contains an entry for this variant (Variation ID: 209190). For these reasons, this variant has been classified as Pathogenic.

GeneDx
Classification: Pathogenic. Last evaluated: 2023-10-14. Review status: criteria provided, single submitter. Criteria: GeneDx Variant Classification Process June 2021. Collection method: clinical testing. Allele origin: germline. Affected: yes.
Comment: Published functional studies demonstrate a significant decrease in protein expression and a shorter half-live compared to wildtype (Watanabe et al., 2016); Frameshift variant predicted to result in protein truncation or nonsense mediated decay in a gene for which loss of function is a known mechanism of disease; This variant is associated with the following publications: (PMID: 27821430)

Baylor Genetics
Classification: Pathogenic for Amyotrophic lateral sclerosis 16, juvenile. Last evaluated: 2013-07-18. Review status: criteria provided, single submitter. Criteria: Yang et al. 2013. Collection method: clinical testing. Allele origin: inherited. Inheritance: Autosomal recessive inheritance. Affected: yes. Observed: 1 variant allele, 1 homozygote. Study: Adult_WES.

Literature cited by the submitters: PubMed 26078401 (cited by Labcorp Genetics (formerly Invitae), Labcorp); PubMed 27402882 (cited by Labcorp Genetics (formerly Invitae), Labcorp); PubMed 28708278 (cited by Labcorp Genetics (formerly Invitae), Labcorp); PubMed 29115704 (cited by Labcorp Genetics (formerly Invitae), Labcorp); PubMed 27821430 (cited by Labcorp Genetics (formerly Invitae), Labcorp); PubMed 26633545 (cited by Baylor Genetics).